The following is an entry in ClinVar:

ClinVar aggregate classification (germline): Uncertain significance (1 of 4 stars; one submission).

Conditions:
TERC-related disorder. Also called: TERC-related condition.

Submission:

PreventionGenetics, part of Exact Sciences
Classification: Uncertain significance for TERC-related condition. Last evaluated: 2026-05-12. Review status: criteria provided, single submitter. Criteria: ACMG Guidelines, 2015. Collection method: clinical testing. Allele origin: germline.
Comment: The TERC n.367C>G is a noncoding alteration. To our knowledge, this variant has not been reported in the literature or in a large population database (gnomAD), indicating this variant is rare. At the time of reporting this variant is absent in ClinVar. The clinical significance of this variant is uncertain due to the absence of conclusive functional and genetic evidence.

NR_001566.3(TERC):n.367C>G

Genes: TERC (telomerase RNA component; minus strand), LOC110806306 (telomerase RNA component (TERC) promoter; plus strand). Cytogenetic location: 3q26.2.
Variant type: single nucleotide variant.
Molecular consequence: non-coding transcript variant (on NR_001566.3).
Genome position: GRCh38 VCF-style: chr3-169764694-G-C. GRCh37 (hg19) VCF-style: chr3-169482482-G-C.
Identifiers: ClinVar variation 4996556 (VCV004996556.1).